The following is an entry in ClinVar:

ClinVar aggregate classification (germline): Likely benign. Review status: criteria provided, multiple submitters, no conflicts (2 of 4 stars). 2 submissions from 2 submitters: Likely benign (2). Last evaluated 2024-02-01.

Conditions:
Biotin-responsive basal ganglia disease (BTBGD). Also called: Thiamine metabolism dysfunction syndrome type 2; THIAMINE METABOLISM DYSFUNCTION SYNDROME 2 (BIOTIN- AND THIAMINE-RESPONSIVE TYPE); Thiamine Transporter-2 Deficiency; Thiamine metabolism dysfunction syndrome 2 (biotin- or thiamine-responsive encephalopathy type 2); thiamine-responsive encephalopathy. Identifiers: Orphanet 199348, Orphanet 65284, MedGen C1843807, MONDO:0011841, OMIM 607483.

Allele frequency attached by ClinVar (database versions not stated): gnomAD exomes 0.00001.
gnomAD v4.1: 10 of 1,610,482 alleles (0.00062%); highest among the groups gnomAD compares: Non-Finnish European, 0.00085%; no homozygotes.

Submissions (2):

Labcorp Genetics (formerly Invitae), Labcorp
Classification: Likely benign for Biotin-responsive basal ganglia disease. Last evaluated: 2024-02-01. Review status: criteria provided, single submitter. Criteria: Invitae Variant Classification Sherloc (09022015). Collection method: clinical testing. Allele origin: germline.

GeneDx
Classification: Likely benign. Last evaluated: 2017-03-31. Review status: criteria provided, single submitter. Criteria: GeneDx Variant Classification (06012015). Collection method: clinical testing. Allele origin: germline. Affected: yes.
Comment: This variant is considered likely benign or benign based on one or more of the following criteria: it is a conservative change, it occurs at a poorly conserved position in the protein, it is predicted to be benign by multiple in silico algorithms, and/or has population frequency not consistent with disease.

NM_025243.4(SLC19A3):c.979+9A>G

Gene: SLC19A3 (solute carrier family 19 member 3; minus strand). Cytogenetic location: 2q36.3.
Variant type: single nucleotide variant.
Coding change: c.979+9A>G on transcript NM_025243.4 (MANE Select); 9 bases into the intron after coding-DNA position 979, A replaced by G.
Molecular consequence: intron variant.
Genome position (GRCh38, 1-based): chr2:227,698,727, T>C on the plus strand (A>G on the coding strand, the complement: SLC19A3 is on the minus strand). VCF-style: chr2-227698727-T-C. GRCh37 (hg19) VCF-style: chr2-228563443-T-C.
Identifiers: ClinVar variation 508377 (VCV000508377.6), dbSNP rs1553571168, ClinGen allele CA658796197.
Genomic context (GRCh38, chr2:227,698,727, plus strand): 5'-TTCGGTACCTGGAGGAATGGACTTAAGCGGGTAAAGCCAACAAAGGAAGATTAAGTGACA[T>C]TTGCTTACCTCCAAAGGTTGCAATAGCTTCTACGGCCCCATTATAGATGGAAGAATCTTG-3'